The following is an entry in ClinVar:

NM_001814.6(CTSC):c.719T>G (p.Val240Gly)

Gene: CTSC (cathepsin C; minus strand). Cytogenetic location: 11q14.2.
Variant type: single nucleotide variant.
Coding change: c.719T>G on transcript NM_001814.6 (MANE Select); coding-DNA position 719, T replaced by G.
Protein change: p.Val240Gly; replaces valine 240 with glycine.
Molecular consequence: missense variant.
Genome position (GRCh38, 1-based): chr11:88,300,568, A>C on the plus strand (T>G on the coding strand, the complement: CTSC is on the minus strand). VCF-style: chr11-88300568-A-C. GRCh37 (hg19) VCF-style: chr11-88033736-A-C.
Other names: short protein forms V240G.
Identifiers: ClinVar variation 1377264 (VCV001377264.5), dbSNP rs754501425, ClinGen allele CA225420893.

ClinVar aggregate classification (germline): Uncertain significance (1 of 4 stars; one submission).

Conditions:
Papillon-Lefèvre syndrome (PALS). Also called: KERATOSIS PALMOPLANTARIS WITH PERIODONTOPATHIA; Papillon-Lefevre Disease. Identifiers: Orphanet 678, MedGen C0030360, MONDO:0009490, OMIM 245000.
Periodontitis, aggressive. Identifiers: MedGen C0031106, MONDO:0980757.
Haim-Munk syndrome (HMS). Also called: COCHIN JEWISH DISORDER; KERATOSIS PALMOPLANTARIS WITH PERIODONTOPATHIA AND ONYCHOGRYPOSIS. Identifiers: Orphanet 2342, MedGen C1855627, MONDO:0009491, OMIM 245010.

Allele frequency attached by ClinVar (database versions not stated): gnomAD 0.00001; gnomAD exomes below 0.00001; TOPMed 0.00001.
gnomAD v4.1: 4 of 1,613,404 alleles (0.00025%); highest among the groups gnomAD compares: African/African-American, 0.0013%; no homozygotes.

Submission:

Labcorp Genetics (formerly Invitae), Labcorp
Classification: Uncertain significance for Haim-Munk syndrome; Periodontitis, aggressive; Papillon-Lefèvre syndrome. Last evaluated: 2025-10-21. Review status: criteria provided, single submitter. Criteria: Invitae Variant Classification Sherloc (09022015). Collection method: clinical testing. Allele origin: germline.
Comment: This sequence change replaces valine with glycine at codon 240 of the CTSC protein (p.Val240Gly). The valine residue is highly conserved and there is a moderate physicochemical difference between valine and glycine. This variant is present in population databases (no rsID available, gnomAD 0.01%). This variant has not been reported in the literature in individuals affected with CTSC-related conditions. ClinVar contains an entry for this variant (Variation ID: 1377264). Invitae Evidence Modeling of protein sequence and biophysical properties (such as structural, functional, and spatial information, amino acid conservation, physicochemical variation, residue mobility, and thermodynamic stability) indicates that this missense variant is expected to disrupt CTSC protein function with a positive predictive value of 80%. In summary, the available evidence is currently insufficient to determine the role of this variant in disease. Therefore, it has been classified as a Variant of Uncertain Significance.